The following is an entry in ClinVar:

NC_000013.11:g.(?_48345070)_(48345209_?)del

Gene: RB1 (RB transcriptional corepressor 1; plus strand). Cytogenetic location: 13q14.2.
Variant type: Deletion.
Identifiers: ClinVar variation 657375 (VCV000657375.3).

ClinVar aggregate classification (germline): Pathogenic (1 of 4 stars; one submission).

Conditions:
Retinoblastoma (RB1). Also called: RETINOBLASTOMA, SOMATIC. Identifiers: Orphanet 790, MedGen C0035335, MeSH D012175, MONDO:0008380, OMIM 180200, HP:0009919. Disease mechanism: loss of function. Inheritance: Both sporadic and heritable forms are tested..

Submission:

Labcorp Genetics (formerly Invitae), Labcorp
Classification: Pathogenic for Retinoblastoma. Last evaluated: 2021-08-12. Review status: criteria provided, single submitter. Criteria: Invitae Variant Classification Sherloc (09022015). Collection method: clinical testing. Allele origin: germline.
Comment: This variant is a gross deletion of the genomic region encompassing exon(s) 4 of the RB1 gene. This variant would be expected to be in-frame, preserving the integrity of the reading frame. A similar copy number variant has been observed in individuals with unilateral and bilateral retinoblastoma, and retinoblastoma (PMID: 8099255, 20090211). It has also been observed to segregate with disease in related individuals. Experimental studies and prediction algorithms are not available or were not evaluated, and the functional significance of this variant is currently unknown. For these reasons, this variant has been classified as Pathogenic.

Literature cited by the submitters: PubMed 8099255; PubMed 20090211.